The following is an entry in ClinVar:

NM_138694.4(PKHD1):c.9714A>G (p.Gly3238=)

Gene: PKHD1 (PKHD1 ciliary IPT domain containing fibrocystin/polyductin; minus strand). Cytogenetic location: 6p12.3.
Variant type: single nucleotide variant.
Coding change: c.9714A>G on transcript NM_138694.4 (MANE Select); coding-DNA position 9714, A replaced by G.
Protein change: p.Gly3238=; no amino-acid change (glycine 3238 retained).
Molecular consequence: synonymous variant.
Genome position (GRCh38, 1-based): chr6:51,747,902, T>C on the plus strand (A>G on the coding strand, the complement: PKHD1 is on the minus strand). VCF-style: chr6-51747902-T-C. GRCh37 (hg19) VCF-style: chr6-51612700-T-C.
Other names: c.9714A>G, p.Gly3238= (NM_170724.3).
Identifiers: ClinVar variation 357414 (VCV000357414.20), dbSNP rs754654892, ClinGen allele CA3851349.

ClinVar aggregate classification (germline): Conflicting classifications of pathogenicity. Review status: criteria provided, conflicting classifications (1 of 4 stars). 5 submissions from 5 submitters: Uncertain significance (1); Likely benign (3). 1 of the submissions does not count toward it. Last evaluated 2026-01-11.

Conditions:
PKHD1-related disorder. Also called: PKHD1-related condition.
Autosomal recessive polycystic kidney disease (ARPKD). Also called: AR polycystic kidney disease. Identifiers: Orphanet 731, Orphanet 8378, MedGen C0085548, MeSH D017044, MONDO:0009889.

Allele frequency attached by ClinVar (database versions not stated): TOPMed 0.00005; ExAC 0.00007; gnomAD exomes 0.00007 and 0.00022; gnomAD 0.00008 and 0.00009.
gnomAD v4.1: 328 of 1,613,878 alleles (0.02%); highest among the groups gnomAD compares: Non-Finnish European, 0.027%; no homozygotes.

Submissions (5):

Labcorp Genetics (formerly Invitae), Labcorp
Classification: Likely benign for Autosomal recessive polycystic kidney disease. Last evaluated: 2026-01-11. Review status: criteria provided, single submitter. Criteria: Invitae Variant Classification Sherloc (09022015). Collection method: clinical testing. Allele origin: germline.

PreventionGenetics, part of Exact Sciences
Classification: Likely benign for PKHD1-related condition. Last evaluated: 2025-08-07. Review status: criteria provided, single submitter. Criteria: ACMG Guidelines, 2015. Collection method: clinical testing. Allele origin: germline.
Comment: This variant is classified as likely benign based on ACMG/AMP sequence variant interpretation guidelines (Richards et al. 2015 PMID: 25741868, with internal and published modifications).

GeneDx
Classification: Likely benign. Last evaluated: 2020-11-12. Review status: criteria provided, single submitter. Criteria: GeneDx Variant Classification Process June 2021. Collection method: clinical testing. Allele origin: germline. Affected: yes.

Illumina Laboratory Services, Illumina
Classification: Uncertain significance for Polycystic kidney disease 4. Last evaluated: 2018-01-13. Review status: criteria provided, single submitter. Criteria: ICSL Variant Classification Criteria 13 December 2019. Collection method: clinical testing. Allele origin: germline.

Natera, Inc.
Classification: Likely benign for Autosomal recessive polycystic kidney disease. Last evaluated: 2020-09-16. Review status: no assertion criteria provided. Collection method: clinical testing. Allele origin: germline. Not counted in ClinVar's aggregate classification.